The following is an entry in ClinVar:

ClinVar aggregate classification (germline): Uncertain significance. Review status: criteria provided, multiple submitters, no conflicts (2 of 4 stars). 2 submissions from 2 submitters: Uncertain significance (2). Last evaluated 2022-03-04.

Conditions:
Fanconi anemia (FA). Also called: Fanconi's anemia. Identifiers: Orphanet 84, MedGen C0015625, MeSH D005199, MONDO:0019391.

gnomAD v4.1: 17 of 1,613,496 alleles (0.0011%); highest among the groups gnomAD compares: Non-Finnish European, 0.0014%; no homozygotes.

Submissions (2):

Labcorp Genetics (formerly Invitae), Labcorp
Classification: Uncertain significance for Fanconi anemia. Last evaluated: 2022-03-04. Review status: criteria provided, single submitter. Criteria: Invitae Variant Classification Sherloc (09022015). Collection method: clinical testing. Allele origin: germline.
Comment: This sequence change replaces glutamic acid, which is acidic and polar, with glutamine, which is neutral and polar, at codon 1451 of the FANCA protein (p.Glu1451Gln). This variant is not present in population databases (gnomAD no frequency). This variant has not been reported in the literature in individuals affected with FANCA-related conditions. Algorithms developed to predict the effect of missense changes on protein structure and function are either unavailable or do not agree on the potential impact of this missense change (SIFT: "Deleterious"; PolyPhen-2: "Benign"; Align-GVGD: "Class C0"). In summary, the available evidence is currently insufficient to determine the role of this variant in disease. Therefore, it has been classified as a Variant of Uncertain Significance.

Sema4
Classification: Uncertain significance for Fanconi anemia. Last evaluated: 2022-03-02. Review status: criteria provided, single submitter. Criteria: Sema4 Curation Guidelines. Collection method: curation. Allele origin: germline.
Comment: The FANCA c.4351G>C (p.E1451Q) variant has not been reported in the literature to our knowledge. This variant is not reported in the population database Genome Aggregation Database (PMID: 32461654). This variant has not been reported in ClinVar. Functional studies have not been performed, and in silico predictions of the variant's effect on protein function are inconclusive. The evidence is insufficient to meet ACMG/AMP criteria for classifying the variant as benign or pathogenic. Thus, the clinical significance of this variant is currently uncertain.

NM_000135.4(FANCA):c.4351G>C (p.Glu1451Gln)

Genes: FANCA (FA complementation group A; minus strand), ZNF276 (zinc finger protein 276; plus strand). Cytogenetic location: 16q24.3.
Variant type: single nucleotide variant.
Coding change: c.4351G>C on transcript NM_000135.4 (MANE Select); coding-DNA position 4351, G replaced by C.
Protein change: p.Glu1451Gln; replaces glutamic acid 1451 with glutamine.
Molecular consequence: missense variant. On other transcripts: 3 prime UTR variant (3), non-coding transcript variant (4).
Genome position (GRCh38, 1-based): chr16:89,738,618, C>G on the plus strand (G>C on the coding strand, the complement: FANCA is on the minus strand). VCF-style: chr16-89738618-C-G. GRCh37 (hg19) VCF-style: chr16-89805026-C-G.
Other names: c.*80G>C (NM_001286167.3); c.*372C>G (NM_001113525.2, NM_152287.4); short protein forms E1451Q.
Identifiers: ClinVar variation 1692229 (VCV001692229.3), dbSNP rs1043241541, ClinGen allele CA286613762.